The following is an entry in ClinVar:

NM_006516.4(SLC2A1):c.1141G>A (p.Val381Met)

Gene: SLC2A1 (solute carrier family 2 member 1; minus strand). Cytogenetic location: 1p34.2.
Variant type: single nucleotide variant.
Coding change: c.1141G>A on transcript NM_006516.4 (MANE Select); coding-DNA position 1141, G replaced by A.
Protein change: p.Val381Met; replaces valine 381 with methionine.
Molecular consequence: missense variant.
Genome position (GRCh38, 1-based): chr1:42,927,742, C>T on the plus strand (G>A on the coding strand, the complement: SLC2A1 is on the minus strand). VCF-style: chr1-42927742-C-T. GRCh37 (hg19) VCF-style: chr1-43393413-C-T.
Other names: c.1141G>A (NM_006516.2); short protein forms V381M.
Identifiers: ClinVar variation 2726085 (VCV002726085.4), dbSNP rs929498798, ClinGen allele CA21249187.

ClinVar aggregate classification (germline): Uncertain significance. Review status: criteria provided, multiple submitters, no conflicts (2 of 4 stars). 2 submissions from 2 submitters: Uncertain significance (2). Last evaluated 2024-06-13.

Conditions:
GLUT1 deficiency syndrome 1, autosomal recessive. Identifiers: MedGen C3149117.

Submissions (2):

GeneDx
Classification: Uncertain significance. Last evaluated: 2024-06-13. Review status: criteria provided, single submitter. Criteria: GeneDx Variant Classification Process June 2021. Collection method: clinical testing. Allele origin: germline. Affected: yes.
Comment: Not observed at significant frequency in large population cohorts (gnomAD); In silico analysis indicates that this missense variant does not alter protein structure/function; Has not been previously published as pathogenic or benign to our knowledge

Labcorp Genetics (formerly Invitae), Labcorp
Classification: Uncertain significance for GLUT1 deficiency syndrome 1, autosomal recessive. Last evaluated: 2023-07-07. Review status: criteria provided, single submitter. Criteria: Invitae Variant Classification Sherloc (09022015). Collection method: clinical testing. Allele origin: germline.
Comment: This sequence change replaces valine, which is neutral and non-polar, with methionine, which is neutral and non-polar, at codon 381 of the SLC2A1 protein (p.Val381Met). This variant is not present in population databases (gnomAD no frequency). This variant has not been reported in the literature in individuals affected with SLC2A1-related conditions. Advanced modeling of protein sequence and biophysical properties (such as structural, functional, and spatial information, amino acid conservation, physicochemical variation, residue mobility, and thermodynamic stability) has been performed at Invitae for this missense variant, however the output from this modeling did not meet the statistical confidence thresholds required to predict the impact of this variant on SLC2A1 protein function. In summary, the available evidence is currently insufficient to determine the role of this variant in disease. Therefore, it has been classified as a Variant of Uncertain Significance.